The following is an entry in ClinVar:

NM_006929.5(SKIC2):c.254C>T (p.Thr85Met)

Gene: SKIC2 (SKI2 subunit of superkiller complex; plus strand). Cytogenetic location: 6p21.33.
Variant type: single nucleotide variant.
Coding change: c.254C>T on transcript NM_006929.5 (MANE Select); coding-DNA position 254, C replaced by T.
Protein change: p.Thr85Met; replaces threonine 85 with methionine.
Molecular consequence: missense variant.
Genome position (GRCh38, 1-based): chr6:31,960,237, C>T. VCF-style: chr6-31960237-C-T. GRCh37 (hg19) VCF-style: chr6-31928014-C-T.
Other names: short protein forms T85M.
Identifiers: ClinVar variation 356312 (VCV000356312.12), dbSNP rs146717555, ClinGen allele CA3729097.

ClinVar aggregate classification (germline): Likely benign. Review status: criteria provided, multiple submitters, no conflicts (2 of 4 stars). 2 submissions from 2 submitters: Likely benign (2). Last evaluated 2026-01-25.

Conditions:
Trichohepatoenteric syndrome 2 (THES2). Identifiers: Orphanet 84064, MedGen C3281289, MONDO:0013818, OMIM 614602.

Allele frequency attached by ClinVar (database versions not stated): ESP Exome Variant Server 0.00012; gnomAD exomes 0.00012 and 0.00051; gnomAD 0.00028 and 0.00031; TOPMed 0.00032; ExAC 0.00033; 1000 Genomes Project 30x 0.00109; 1000 Genomes Project 0.00120.
gnomAD v4.1: 227 of 1,613,002 alleles (0.014%); highest among the groups gnomAD compares: East Asian, 0.3%; no homozygotes.

Submissions (2):

Labcorp Genetics (formerly Invitae), Labcorp
Classification: Likely benign. Last evaluated: 2026-01-25. Review status: criteria provided, single submitter. Criteria: Invitae Variant Classification Sherloc (09022015). Collection method: clinical testing. Allele origin: germline.

Illumina Laboratory Services, Illumina
Classification: Likely benign for Trichohepatoenteric syndrome 2. Last evaluated: 2018-01-13. Review status: criteria provided, single submitter. Criteria: ICSL Variant Classification Criteria 13 December 2019. Collection method: clinical testing. Allele origin: germline.
Comment: This variant was observed in the ICSL laboratory as part of a predisposition screen in an ostensibly healthy population. It had not been previously curated by ICSL or reported in the Human Gene Mutation Database (HGMD: prior to June 1st, 2018), and was therefore a candidate for classification through an automated scoring system. Utilizing variant allele frequency, disease prevalence and penetrance estimates, and inheritance mode, an automated score was calculated to assess if this variant is too frequent to cause the disease. Based on the score and internal cut-off values, a variant classified as likely benign is not then subjected to further curation. The score for this variant resulted in a classification of likely benign for this disease.